The following is an entry in ClinVar:

NM_004629.2(FANCG):c.23T>A (p.Val8Glu)

Gene: FANCG (FA complementation group G; minus strand). Cytogenetic location: 9p13.3.
Variant type: single nucleotide variant.
Coding change: c.23T>A on transcript NM_004629.2 (MANE Select); coding-DNA position 23, T replaced by A.
Protein change: p.Val8Glu; replaces valine 8 with glutamic acid.
Molecular consequence: missense variant.
Genome position (GRCh38, 1-based): chr9:35,079,502, A>T on the plus strand (T>A on the coding strand, the complement: FANCG is on the minus strand). VCF-style: chr9-35079502-A-T. GRCh37 (hg19) VCF-style: chr9-35079499-A-T.
Other names: short protein forms V8E.
Identifiers: ClinVar variation 4619388 (VCV004619388.1).

ClinVar aggregate classification (germline): Uncertain significance (1 of 4 stars; one submission).

Conditions:
Inborn genetic diseases. Identifiers: MedGen C0950123, MeSH D030342.

Submission:

Ambry Genetics
Classification: Uncertain significance for Inborn genetic diseases. Last evaluated: 2025-11-05. Review status: criteria provided, single submitter. Criteria: Ambry Variant Classification Scheme 2023. Collection method: clinical testing. Allele origin: germline.
Comment: The p.V8E variant (also known as c.23T>A), located in coding exon 1 of the FANCG gene, results from a T to A substitution at nucleotide position 23. The valine at codon 8 is replaced by glutamic acid, an amino acid with dissimilar properties. This amino acid position is conserved. In addition, this alteration is predicted to be tolerated by in silico analysis. Based on the available evidence, the clinical significance of this variant remains unclear.